The following is an entry in ClinVar:

ClinVar aggregate classification (germline): Uncertain significance (1 of 4 stars; one submission).

Conditions:
Ataxia-telangiectasia syndrome (AT). Also called: Ataxia-telangiectasia; LOUIS-BAR SYNDROME; Ataxia-telangiectasia, complementation group D; AT, COMPLEMENTATION GROUP C; ATAXIA-TELANGIECTASIA, COMPLEMENTATION GROUP A; ATAXIA-TELANGIECTASIA, FRESNO VARIANT. Identifiers: Orphanet 100, MedGen C0004135, MONDO:0008840, OMIM 208900.

Allele frequency attached by ClinVar (database versions not stated): gnomAD 0.00001; TOPMed below 0.00001.
gnomAD v4.1: 1 of 1,613,988 alleles (0.000062%); highest among the groups gnomAD compares: Non-Finnish European, 0.000085%; no homozygotes.

Submission:

Labcorp Genetics (formerly Invitae), Labcorp
Classification: Uncertain significance for Ataxia-telangiectasia syndrome. Last evaluated: 2021-07-29. Review status: criteria provided, single submitter. Criteria: Invitae Variant Classification Sherloc (09022015). Collection method: clinical testing. Allele origin: germline.
Comment: This variant has not been reported in the literature in individuals affected with ATM-related conditions. In summary, the available evidence is currently insufficient to determine the role of this variant in disease. Therefore, it has been classified as a Variant of Uncertain Significance. Advanced modeling of protein sequence and biophysical properties (such as structural, functional, and spatial information, amino acid conservation, physicochemical variation, residue mobility, and thermodynamic stability) performed at Invitae indicates that this missense variant is not expected to disrupt ATM protein function. This variant is not present in population databases (ExAC no frequency). This sequence change replaces methionine with isoleucine at codon 2504 of the ATM protein (p.Met2504Ile). The methionine residue is moderately conserved and there is a small physicochemical difference between methionine and isoleucine.

NM_000051.4(ATM):c.7512G>A (p.Met2504Ile)

Genes: ATM (ATM serine/threonine kinase; plus strand), C11orf65 (chromosome 11 open reading frame 65; minus strand). Cytogenetic location: 11q22.3.
Variant type: single nucleotide variant.
Coding change: c.7512G>A on transcript NM_000051.4 (MANE Select); coding-DNA position 7512, G replaced by A.
Protein change: p.Met2504Ile; replaces methionine 2504 with isoleucine.
Molecular consequence: missense variant. On other transcripts: intron variant (2).
Genome position (GRCh38, 1-based): chr11:108,330,418, G>A. VCF-style: chr11-108330418-G-A. GRCh37 (hg19) VCF-style: chr11-108201145-G-A.
Other names: c.7512G>A, p.Met2504Ile (NM_001351834.2); c.641-21347C>T (NM_001330368.2); c.*38+4802C>T (NM_001351110.2); short protein forms M2504I.
Identifiers: ClinVar variation 1384327 (VCV001384327.7), dbSNP rs1350657331, ClinGen allele CA382560607.
Genomic context (GRCh38, chr11:108,330,418, plus strand): 5'-ATTCCGACTTTGTTCCCTCTGGCTTGAAAATTCTGGAGTTTCTGAAGTCAATGGCATGAT[G>A]AAGGCAAGTGTTACTCAGCCCAATATTCTACCCTGTGCTTGAAAAACTTAGACATAAGCC-3'
Protein context (NP_000042.3, residues 2494-2514): NSGVSEVNGM[Met2504Ile]KRDGMKIPTY